The following is an entry in ClinVar:

NM_014014.5(SNRNP200):c.574+10C>T

Gene: SNRNP200 (small nuclear ribonucleoprotein U5 subunit 200; minus strand). Cytogenetic location: 2q11.2.
Variant type: single nucleotide variant.
Coding change: c.574+10C>T on transcript NM_014014.5 (MANE Select); 10 bases into the intron after coding-DNA position 574, C replaced by T.
Molecular consequence: intron variant.
Genome position (GRCh38, 1-based): chr2:96,301,514, G>A on the plus strand (C>T on the coding strand, the complement: SNRNP200 is on the minus strand). VCF-style: chr2-96301514-G-A. GRCh37 (hg19) VCF-style: chr2-96967252-G-A.
Other names: c.574+10C>T (NM_014014.4).
Identifiers: ClinVar variation 1164708 (VCV001164708.12), dbSNP rs368132966, ClinGen allele CA1779170.

ClinVar aggregate classification (germline): Benign/Likely benign. Review status: criteria provided, multiple submitters, no conflicts (2 of 4 stars). 3 submissions from 3 submitters: Benign (1); Likely benign (1). 1 of the submissions does not count toward it. Last evaluated 2025-12-20.

Conditions:
SNRNP200-related disorder. Also called: SNRNP200-related condition.

Allele frequency attached by ClinVar (database versions not stated): ESP Exome Variant Server 0.00031; 1000 Genomes Project 0.00080; 1000 Genomes Project 30x 0.00109.

Submissions (3):

Labcorp Genetics (formerly Invitae), Labcorp
Classification: Benign. Last evaluated: 2025-12-20. Review status: criteria provided, single submitter. Criteria: Invitae Variant Classification Sherloc (09022015). Collection method: clinical testing. Allele origin: germline.

Blueprint Genetics
Classification: Likely benign. Last evaluated: 2024-04-10. Review status: criteria provided, single submitter. Criteria: ACMG Guidelines, 2015. Collection method: clinical testing. Allele origin: germline.

PreventionGenetics, part of Exact Sciences
Classification: Likely benign for SNRNP200-related condition. Last evaluated: 2019-07-24. Review status: no assertion criteria provided. Collection method: clinical testing. Allele origin: germline. Not counted in ClinVar's aggregate classification.
Comment: This variant is classified as likely benign based on ACMG/AMP sequence variant interpretation guidelines (Richards et al. 2015 PMID: 25741868, with internal and published modifications).